The following is an entry in ClinVar:

NM_001080467.3(MYO5B):c.3945-9T>A

Gene: MYO5B (myosin VB; minus strand). Cytogenetic location: 18q21.1.
Variant type: single nucleotide variant.
Coding change: c.3945-9T>A on transcript NM_001080467.3 (MANE Select); 9 bases into the intron before coding-DNA position 3945, T replaced by A.
Molecular consequence: intron variant.
Genome position (GRCh38, 1-based): chr18:49,856,899, A>T on the plus strand (T>A on the coding strand, the complement: MYO5B is on the minus strand). VCF-style: chr18-49856899-A-T. GRCh37 (hg19) VCF-style: chr18-47383269-A-T.
Identifiers: ClinVar variation 327018 (VCV000327018.10), dbSNP rs759789311, ClinGen allele CA8960501.
Genomic context (GRCh38, chr18:49,856,899, plus strand): 5'-GGCCAAGCCGAGTTCTCCATCTTCATTTAAATATCCCCAATCCTCAGTCTTGCTAGAAAC[A>T]AAGGACAGAAAAACAGGGTGTCCAGTGTAGACGGAAGAGACAGGCAGGCAGGGAGTCCTG-3'

ClinVar aggregate classification (germline): Uncertain significance. Review status: criteria provided, multiple submitters, no conflicts (2 of 4 stars). 2 submissions from 2 submitters: Uncertain significance (2). Last evaluated 2023-10-09.

Conditions:
Congenital microvillous atrophy (DIAR2). Also called: DAVIDSON DISEASE; MICROVILLUS ATROPHY, CONGENITAL; Microvillus inclusion disease; Diarrhea 2 with microvillus atrophy, with or without cholestasis; CONGENITAL FAMILIAL PROTRACTED DIARRHEA WITH ENTEROCYTE BRUSH-BORDER ABNORMALITIES. Identifiers: Orphanet 2290, MedGen C0341306, MONDO:0009635, OMIM 251850.

Allele frequency attached by ClinVar (database versions not stated): ExAC 0.00001; gnomAD 0.00001; gnomAD exomes 0.00002 and 0.00003; TOPMed 0.00002.

Submissions (2):

Labcorp Genetics (formerly Invitae), Labcorp
Classification: Uncertain significance. Last evaluated: 2023-10-09. Review status: criteria provided, single submitter. Criteria: Invitae Variant Classification Sherloc (09022015). Collection method: clinical testing. Allele origin: germline.
Comment: This sequence change falls in intron 29 of the MYO5B gene. It does not directly change the encoded amino acid sequence of the MYO5B protein. This variant is present in population databases (rs759789311, gnomAD 0.004%). This variant has not been reported in the literature in individuals affected with MYO5B-related conditions. ClinVar contains an entry for this variant (Variation ID: 327018). Algorithms developed to predict the effect of sequence changes on RNA splicing suggest that this variant may disrupt the consensus splice site. In summary, the available evidence is currently insufficient to determine the role of this variant in disease. Therefore, it has been classified as a Variant of Uncertain Significance.

Illumina Laboratory Services, Illumina
Classification: Uncertain significance for Congenital microvillous atrophy. Last evaluated: 2018-01-13. Review status: criteria provided, single submitter. Criteria: ICSL Variant Classification Criteria 13 December 2019. Collection method: clinical testing. Allele origin: germline.